The following is an entry in ClinVar:

ClinVar aggregate classification (germline): Pathogenic (1 of 4 stars; one submission).

Submission:

Labcorp Genetics (formerly Invitae), Labcorp
Classification: Pathogenic. Last evaluated: 2022-06-18. Review status: criteria provided, single submitter. Criteria: Invitae Variant Classification Sherloc (09022015). Collection method: clinical testing. Allele origin: germline.
Comment: For these reasons, this variant has been classified as Pathogenic. Algorithms developed to predict the effect of sequence changes on RNA splicing suggest that this variant may create or strengthen a splice site. This variant has not been reported in the literature in individuals affected with MYO7A-related conditions. This variant is not present in population databases (gnomAD no frequency). This sequence change creates a premature translational stop signal (p.Gln109*) in the MYO7A gene. It is expected to result in an absent or disrupted protein product. Loss-of-function variants in MYO7A are known to be pathogenic (PMID: 8900236, 25404053).

Literature cited by the submitters: PubMed 8900236; PubMed 25404053.

NM_000260.4(MYO7A):c.325C>T (p.Gln109Ter)

Gene: MYO7A (myosin VIIA; plus strand). Cytogenetic location: 11q13.5.
Variant type: single nucleotide variant.
Coding change: c.325C>T on transcript NM_000260.4 (MANE Select); coding-DNA position 325, C replaced by T.
Protein change: p.Gln109Ter; replaces glutamine 109 with a stop codon.
Molecular consequence: nonsense.
Genome position (GRCh38, 1-based): chr11:77,155,946, C>T. VCF-style: chr11-77155946-C-T. GRCh37 (hg19) VCF-style: chr11-76866992-C-T.
Other names: c.325C>T, p.Gln109Ter (NM_001127180.2); c.292C>T, p.Gln98Ter (NM_001369365.1); short protein forms Q109*, Q98*.
Identifiers: ClinVar variation 2007844 (VCV002007844.4), dbSNP rs2496728342, ClinGen allele CA381931158.